The following is an entry in ClinVar:

NM_199420.4(POLQ):c.4983G>A (p.Met1661Ile)

Gene: POLQ (DNA polymerase theta; minus strand). Cytogenetic location: 3q13.33.
Variant type: single nucleotide variant.
Coding change: c.4983G>A on transcript NM_199420.4 (MANE Select); coding-DNA position 4983, G replaced by A.
Protein change: p.Met1661Ile; replaces methionine 1661 with isoleucine.
Molecular consequence: missense variant.
Genome position (GRCh38, 1-based): chr3:121,487,948, C>T on the plus strand (G>A on the coding strand, the complement: POLQ is on the minus strand). VCF-style: chr3-121487948-C-T. GRCh37 (hg19) VCF-style: chr3-121206795-C-T.
Other names: short protein forms M1661I.
Identifiers: ClinVar variation 3422649 (VCV003422649.1).

ClinVar aggregate classification (germline): Uncertain significance (1 of 4 stars; one submission).

Submission:

Ambry Genetics
Classification: Uncertain significance. Last evaluated: 2024-11-05. Review status: criteria provided, single submitter. Criteria: Ambry Variant Classification Scheme 2023. Collection method: clinical testing. Allele origin: germline.
Comment: The p.M1661I variant (also known as c.4983G>A), located in coding exon 16 of the POLQ gene, results from a G to A substitution at nucleotide position 4983. The methionine at codon 1661 is replaced by isoleucine, an amino acid with highly similar properties. This amino acid position is conserved. In addition, this alteration is predicted to be tolerated by in silico analysis. Based on the available evidence, the clinical significance of this variant remains unclear.